The following is an entry in ClinVar:

ClinVar aggregate classification (germline): Uncertain significance (1 of 4 stars; one submission).

Conditions:
KIZ-related disorder. Also called: KIZ-related condition.

gnomAD v4.1: 17 of 1,613,728 alleles (0.0011%); highest among the groups gnomAD compares: African/African-American, 0.023%; no homozygotes.

Submission:

PreventionGenetics, part of Exact Sciences
Classification: Uncertain significance for KIZ-related condition. Last evaluated: 2026-06-11. Review status: criteria provided, single submitter. Criteria: ACMG Guidelines, 2015. Collection method: clinical testing. Allele origin: germline.
Comment: The KIZ c.1173C>A variant is predicted to result in the amino acid substitution p.Ser391Arg. To our knowledge, this variant has not been reported in the literature. This variant is reported in 0.029% of alleles in individuals of African descent in gnomAD. At this time, the clinical significance of this variant is uncertain due to the absence of conclusive functional and genetic evidence.

NM_018474.6(KIZ):c.1173C>A (p.Ser391Arg)

Gene: KIZ (kizuna centrosomal protein; plus strand). Cytogenetic location: 20p11.23.
Variant type: single nucleotide variant.
Coding change: c.1173C>A on transcript NM_018474.6 (MANE Select); coding-DNA position 1173, C replaced by A.
Protein change: p.Ser391Arg; replaces serine 391 with arginine.
Molecular consequence: missense variant.
Genome position (GRCh38, 1-based): chr20:21,162,980, C>A. VCF-style: chr20-21162980-C-A. GRCh37 (hg19) VCF-style: chr20-21143621-C-A.
Other names: c.864C>A, p.Ser288Arg (NM_001163022.3, NM_001352435.2); c.774C>A, p.Ser258Arg (NM_001163023.3); c.1026C>A, p.Ser342Arg (NM_001276389.2); c.1173C>A, p.Ser391Arg (NM_001352434.2); c.831C>A, p.Ser277Arg (NM_001352436.2); short protein forms S288R, S342R, S258R, S277R, S391R.
Identifiers: ClinVar variation 4990747 (VCV004990747.1).